The following is an entry in ClinVar:

NM_000414.4(HSD17B4):c.1214T>C (p.Leu405Pro)

Gene: HSD17B4 (hydroxysteroid 17-beta dehydrogenase 4; plus strand). Cytogenetic location: 5q23.1.
Variant type: single nucleotide variant.
Coding change: c.1214T>C on transcript NM_000414.4 (MANE Select); coding-DNA position 1214, T replaced by C.
Protein change: p.Leu405Pro; replaces leucine 405 with proline.
Molecular consequence: missense variant. On other transcripts: non-coding transcript variant (2).
Genome position (GRCh38, 1-based): chr5:119,502,045, T>C. VCF-style: chr5-119502045-T-C. GRCh37 (hg19) VCF-style: chr5-118837740-T-C.
Other names: c.1289T>C, p.Leu430Pro (NM_001199291.3); c.1160T>C, p.Leu387Pro (NM_001199292.2); c.1142T>C, p.Leu381Pro (NM_001292027.2); c.794T>C, p.Leu265Pro (NM_001292028.2); c.1205T>C, p.Leu402Pro (NM_001374497.1); c.1214T>C, p.Leu405Pro (NM_001374498.1); c.887T>C, p.Leu296Pro (NM_001374499.1); c.773T>C, p.Leu258Pro (NM_001374500.1); and 1 more; short protein forms L258P, L265P, L268P, L296P, L381P, L387P, L402P, L405P.
Identifiers: ClinVar variation 2676147 (VCV002676147.4), dbSNP rs2531759797, ClinGen allele CA360868379.

ClinVar aggregate classification (germline): Conflicting classifications of pathogenicity. Review status: criteria provided, conflicting classifications (1 of 4 stars). 3 submissions from 3 submitters: Likely pathogenic (2); Uncertain significance (1). Last evaluated 2026-07-10.

Conditions:
Bifunctional peroxisomal enzyme deficiency (DBIF). Also called: D-bifunctional protein deficiency; DBP DEFICIENCY; PBFE DEFICIENCY. Identifiers: Orphanet 300, MedGen C0342870, MONDO:0009855, OMIM 261515. Disease mechanism: loss of function.
Perrault syndrome 1 (PRLTS1). Also called: GONADAL DYSGENESIS, XX TYPE, WITH DEAFNESS; OVARIAN DYSGENESIS WITH SENSORINEURAL DEAFNESS. Identifiers: Orphanet 2855, Orphanet 642945, MedGen C4551721, MONDO:0009300, OMIM 233400.

gnomAD v4.1: 1 of 1,604,266 alleles (0.000062%); no homozygotes.

Submissions (3):

Myriad Genetics, Inc.
Classification: Uncertain significance for Bifunctional peroxisomal enzyme deficiency. Last evaluated: 2026-07-10. Review status: criteria provided, single submitter. Criteria: Myriad Autosomal Dominant, Autosomal Recessive and X-Linked Classification Criteria (2023). Collection method: clinical testing. Allele origin: unknown.
Comment: NM_000414.3(HSD17B4):c.1214T>C(L405P) is a missense variant classified as a variant of uncertain significance in the context of HSD17B4-related disorders. L405P has been observed in a case with relevant disease (PMID: 16385454). Relevant functional assessments of this variant are not available in the literature. L405P has not been observed in referenced population frequency databases. In summary, there is insufficient evidence to classify NM_000414.3(HSD17B4):c.1214T>C(L405P) as pathogenic or benign. Please note: this variant was assessed in the context of healthy population screening.

Baylor Genetics
Classification: Likely pathogenic for Bifunctional peroxisomal enzyme deficiency. Last evaluated: 2024-03-27. Review status: criteria provided, single submitter. Criteria: ACMG Guidelines, 2015. Collection method: clinical testing. Allele origin: unknown.

Fulgent Genetics
Classification: Likely pathogenic for Perrault syndrome 1; Bifunctional peroxisomal enzyme deficiency. Last evaluated: 2024-01-08. Review status: criteria provided, single submitter. Criteria: ACMG Guidelines, 2015. Collection method: clinical testing. Allele origin: germline.

Literature cited by the submitters: PubMed 16385454 (cited by Myriad Genetics, Inc.).